The following is an entry in ClinVar:

NM_022893.4(BCL11A):c.184A>C (p.Ile62Leu)

Gene: BCL11A (BCL11 transcription factor A; minus strand). Cytogenetic location: 2p16.1.
Variant type: single nucleotide variant.
Coding change: c.184A>C on transcript NM_022893.4 (MANE Select); coding-DNA position 184, A replaced by C.
Protein change: p.Ile62Leu; replaces isoleucine 62 with leucine.
Molecular consequence: missense variant.
Genome position (GRCh38, 1-based): chr2:60,546,172, T>G on the plus strand (A>C on the coding strand, the complement: BCL11A is on the minus strand). VCF-style: chr2-60546172-T-G. GRCh37 (hg19) VCF-style: chr2-60773307-T-G.
Other names: c.184A>C, p.Ile62Leu (NM_001363864.1, NM_001365609.1, NM_018014.4 and 1 more transcripts); short protein forms I62L.
Identifiers: ClinVar variation 1701379 (VCV001701379.31), dbSNP rs2104750825, ClinGen allele CA347040927.
Genomic context (GRCh38, chr2:60,546,172, plus strand): 5'-CCACAGCTTTTTCTAAGCAGAGGCTGCCATTGCATTGTTTCCGTTTGTGCTCGATAAAAA[T>G]AAGAATGTCCCCCAATGGGAAGTTCATCTGGCACTGCCCACAGGTGAGGAGGTCATGATC-3'
Protein context (NP_075044.2, residues 52-72): QMNFPLGDIL[Ile62Leu]FIEHKRKQCN

ClinVar aggregate classification (germline): Uncertain significance (1 of 4 stars; one submission).

Submission:

CeGaT Center for Human Genetics Tuebingen
Classification: Uncertain significance. Last evaluated: 2022-07-01. Review status: criteria provided, single submitter. Criteria: CeGaT Center For Human Genetics Tuebingen Variant Classification Criteria Version 2. Collection method: clinical testing. Allele origin: germline. Affected: yes. Observed: 1 variant allele.
Comment: BCL11A: PM2, PP2